The following is an entry in ClinVar:

NC_012920.1(MT-ND5):m.12426C>A

Gene: MT-ND5 (mitochondrially encoded NADH dehydrogenase 5; plus strand).
Variant type: single nucleotide variant.
Genome position: chrM-12426-C-A.
Identifiers: ClinVar variation 693441 (VCV000693441.1), dbSNP rs386829158, ClinGen allele CA414813102.

ClinVar aggregate classification (germline): Uncertain significance (1 of 4 stars; one submission).

Conditions:
Leigh syndrome (NULS). Also called: Leigh's necrotizing encephalopathy; Leigh's disease; Leigh Syndrome (mtDNA deletion); Leigh Disease; Subacute necrotizing encephalopathy; Necrotizing encephalopathy infantile subacute of Leigh. Identifiers: Orphanet 506, MedGen C2931891, MONDO:0009723, OMIM 256000.

Submission:

Wong Mito Lab, Molecular and Human Genetics, Baylor College of Medicine
Classification: Uncertain significance for Leigh syndrome. Last evaluated: 2019-10-17. Review status: criteria provided, single submitter. Criteria: Modified ACMG Guidelines (Unpublished). Collection method: clinical testing. Allele origin: germline.
Comment: The NC_012920.1:m.12426C>A (YP_003024036.1:p.Asn30Lys) variant in MTND5 gene is interpretated to be a Uncertain Significance variant based on the modified ACMG guidelines (unpublished). This variant meets the following evidence codes: BP4